The following is an entry in ClinVar:

NM_013372.7(GREM1):c.416A>G (p.Gln139Arg)

Gene: GREM1 (gremlin 1, DAN family BMP antagonist; plus strand). Cytogenetic location: 15q13.3.
Variant type: single nucleotide variant.
Coding change: c.416A>G on transcript NM_013372.7 (MANE Select); coding-DNA position 416, A replaced by G.
Protein change: p.Gln139Arg; replaces glutamine 139 with arginine.
Molecular consequence: missense variant.
Genome position (GRCh38, 1-based): chr15:32,731,106, A>G. VCF-style: chr15-32731106-A-G. GRCh37 (hg19) VCF-style: chr15-33023307-A-G.
Other names: c.206A>G, p.Gln69Arg (NM_001191322.2); c.293A>G, p.Gln98Arg (NM_001191323.2); c.416A>G, p.Gln139Arg (NM_001368719.1); short protein forms Q139R, Q69R, Q98R.
Identifiers: ClinVar variation 3522494 (VCV003522494.1).
Genomic context (GRCh38, chr15:32,731,106, plus strand): 5'-ACGGCCAGTGCAACTCTTTCTACATCCCCAGGCACATCCGGAAGGAGGAAGGTTCCTTTC[A>G]GTCCTGCTCCTTCTGCAAGCCCAAGAAATTCACTACCATGATGGTCACACTCAACTGCCC-3'
Protein context (NP_037504.1, residues 129-149): RHIRKEEGSF[Gln139Arg]SCSFCKPKKF

ClinVar aggregate classification (germline): Uncertain significance (1 of 4 stars; one submission).

Conditions:
Hereditary cancer-predisposing syndrome. Also called: Hereditary Cancer Syndrome; Hereditary neoplastic syndrome; Tumor predisposition; Neoplastic Syndromes, Hereditary. Identifiers: Orphanet 140162, MedGen C0027672, MeSH D009386, MONDO:0015356.

Submission:

Ambry Genetics
Classification: Uncertain significance for Hereditary cancer-predisposing syndrome. Last evaluated: 2024-09-01. Review status: criteria provided, single submitter. Criteria: Ambry Variant Classification Scheme 2023. Collection method: clinical testing. Allele origin: germline.
Comment: The p.Q139R variant (also known as c.416A>G), located in coding exon 1 of the GREM1 gene, results from an A to G substitution at nucleotide position 416. The glutamine at codon 139 is replaced by arginine, an amino acid with highly similar properties. This amino acid position is conserved. In addition, this alteration is predicted to be tolerated by in silico analysis. Based on the available evidence, the clinical significance of this variant remains unclear.